The following is an entry in ClinVar:

ClinVar aggregate classification (germline): Uncertain significance (1 of 4 stars; one submission).

Conditions:
Polyhydramnios, megalencephaly, and symptomatic epilepsy (PMSE). Also called: PMSE SYNDROME. Identifiers: Orphanet 500533, MedGen C1970203, MONDO:0012611, OMIM 611087.

Allele frequency attached by ClinVar (database versions not stated): gnomAD 0.00001; gnomAD exomes 0.00001; TOPMed 0.00001.
gnomAD v4.1: 13 of 1,613,956 alleles (0.00081%); highest among the groups gnomAD compares: African/African-American, 0.0027%; no homozygotes.

Submission:

Labcorp Genetics (formerly Invitae), Labcorp
Classification: Uncertain significance for Polyhydramnios, megalencephaly, and symptomatic epilepsy. Last evaluated: 2022-05-10. Review status: criteria provided, single submitter. Criteria: Invitae Variant Classification Sherloc (09022015). Collection method: clinical testing. Allele origin: germline.
Comment: In summary, the available evidence is currently insufficient to determine the role of this variant in disease. Therefore, it has been classified as a Variant of Uncertain Significance. Algorithms developed to predict the effect of missense changes on protein structure and function are either unavailable or do not agree on the potential impact of this missense change (SIFT: "Deleterious"; PolyPhen-2: "Possibly Damaging"; Align-GVGD: "Class C0"). This variant has not been reported in the literature in individuals affected with STRADA-related conditions. This variant is not present in population databases (gnomAD no frequency). This sequence change replaces lysine, which is basic and polar, with methionine, which is neutral and non-polar, at codon 18 of the STRADA protein (p.Lys18Met).

NM_001003787.4(STRADA):c.53A>T (p.Lys18Met)

Gene: STRADA (STE20 related adaptor alpha; minus strand). Cytogenetic location: 17q23.3.
Variant type: single nucleotide variant.
Coding change: c.53A>T on transcript NM_001003787.4 (MANE Select); coding-DNA position 53, A replaced by T.
Protein change: p.Lys18Met; replaces lysine 18 with methionine.
Molecular consequence: missense variant. On other transcripts: 5 prime UTR variant (3), non-coding transcript variant (1), intron variant (5).
Genome position (GRCh38, 1-based): chr17:63,726,679, T>A on the plus strand (A>T on the coding strand, the complement: STRADA is on the minus strand). VCF-style: chr17-63726679-T-A. GRCh37 (hg19) VCF-style: chr17-61804039-T-A.
Other names: c.-93A>T (NM_001003788.3, NM_001363790.1, NM_001363791.1); c.53A>T, p.Lys18Met (NM_001165970.2, NM_001363788.1, NM_001411083.1 and 1 more transcripts); c.29A>T, p.Lys10Met (NM_001363786.1); c.12+1679A>T (NM_001363789.1, NM_001003786.3, NM_153335.6); c.36+1655A>T (NM_001165969.2, NM_001363787.1); short protein forms K10M, K18M.
Identifiers: ClinVar variation 1920919 (VCV001920919.5), dbSNP rs1227165792, ClinGen allele CA400595775.